The following is an entry in ClinVar:

NM_053025.4(MYLK):c.5197A>T (p.Lys1733Ter)

Genes: MYLK (myosin light chain kinase; minus strand), MYLK-AS1 (MYLK antisense RNA 1; plus strand). Cytogenetic location: 3q21.1.
Variant type: single nucleotide variant.
Coding change: c.5197A>T on transcript NM_053025.4 (MANE Select); coding-DNA position 5197, A replaced by T.
Protein change: p.Lys1733Ter; replaces lysine 1733 with a stop codon.
Molecular consequence: nonsense.
Genome position (GRCh38, 1-based): chr3:123,626,859, T>A on the plus strand (A>T on the coding strand, the complement: MYLK is on the minus strand). VCF-style: chr3-123626859-T-A. GRCh37 (hg19) VCF-style: chr3-123345706-T-A.
Other names: c.4669A>T, p.Lys1557Ter (NM_001321309.2); c.4990A>T, p.Lys1664Ter (NM_053026.4); c.5044A>T, p.Lys1682Ter (NM_053027.4); c.4837A>T, p.Lys1613Ter (NM_053028.4); short protein forms K1557*, K1664*, K1682*, K1733*, K1613*.
Identifiers: ClinVar variation 4718666 (VCV004718666.1).
Genomic context (GRCh38, chr3:123,626,859, plus strand): 5'-AAAGTGACCCTCTCATTACCTGCCATTTCCTTCTTGCCATGTACTTCTTCATCCGGTCCT[T>A]GGAGAGTTTCTTGGCCTCCATGTTCTTGGTATCTTTCATTAGCCATGGATGCTGAAGGCA-3'

ClinVar aggregate classification (germline): Pathogenic (1 of 4 stars; one submission).

Conditions:
Aortic aneurysm, familial thoracic 7 (AAT7). Also called: AORTIC DISSECTION, FAMILIAL, WITH OR WITHOUT AORTIC ANEURYSM. Identifiers: MedGen C3151077, MONDO:0013418, OMIM 613780.

Submission:

Labcorp Genetics (formerly Invitae), Labcorp
Classification: Pathogenic for Aortic aneurysm, familial thoracic 7. Last evaluated: 2025-04-30. Review status: criteria provided, single submitter. Criteria: Invitae Variant Classification Sherloc (09022015). Collection method: clinical testing. Allele origin: germline.
Comment: This sequence change creates a premature translational stop signal (p.Lys1733*) in the MYLK gene. This variant occurs within the aortic-specific isoform of MYLK. Loss-of-function variants in the aortic-specific isoform of MYLK are known to be pathogenic for thoracic aortic dissections (PMID: 21055718). This variant is not present in population databases (gnomAD no frequency). This variant has not been reported in the literature in individuals affected with MYLK-related conditions. For these reasons, this variant has been classified as Pathogenic.

Literature cited by the submitters: PubMed 21055718.